The following is an entry in ClinVar:

NM_006846.4(SPINK5):c.1498C>T (p.Arg500Trp)

Gene: SPINK5 (serine peptidase inhibitor Kazal type 5; plus strand). Cytogenetic location: 5q32.
Variant type: single nucleotide variant.
Coding change: c.1498C>T on transcript NM_006846.4 (MANE Select); coding-DNA position 1498, C replaced by T.
Protein change: p.Arg500Trp; replaces arginine 500 with tryptophan.
Molecular consequence: missense variant.
Genome position (GRCh38, 1-based): chr5:148,107,055, C>T. VCF-style: chr5-148107055-C-T. GRCh37 (hg19) VCF-style: chr5-147486618-C-T.
Other names: c.1498C>T, p.Arg500Trp (NM_001127698.2, NM_001127699.2); short protein forms R500W.
Identifiers: ClinVar variation 947053 (VCV000947053.7), dbSNP rs201611101, ClinGen allele CA3495644.

ClinVar aggregate classification (germline): Uncertain significance. Review status: criteria provided, multiple submitters, no conflicts (2 of 4 stars). 2 submissions from 2 submitters: Uncertain significance (2). Last evaluated 2024-01-03.

Conditions:
Inborn genetic diseases. Identifiers: MedGen C0950123, MeSH D030342.
Netherton syndrome (NETH). Also called: NETHERTON DISEASE; ERYTHRODERMA, ICHTHYOSIFORM, WITH HYPOTRICHOSIS AND HYPER-IgE; COMEL-NETHERTON SYNDROME. Identifiers: Orphanet 634, MedGen C5574950, MONDO:0009735, OMIM 256500.

Allele frequency attached by ClinVar (database versions not stated): TOPMed 0.00006; ESP Exome Variant Server 0.00008; 1000 Genomes Project 0.00020; 1000 Genomes Project 30x 0.00031.
gnomAD v4.1: 30 of 1,612,568 alleles (0.0019%); highest among the groups gnomAD compares: African/African-American, 0.0093%; no homozygotes.

Submissions (2):

Ambry Genetics
Classification: Uncertain significance for Inborn genetic diseases. Last evaluated: 2024-01-03. Review status: criteria provided, single submitter. Criteria: Ambry Variant Classification Scheme 2023. Collection method: clinical testing. Allele origin: germline.

Labcorp Genetics (formerly Invitae), Labcorp
Classification: Uncertain significance for Ichthyosis linearis circumflexa. Last evaluated: 2022-08-18. Review status: criteria provided, single submitter. Criteria: Invitae Variant Classification Sherloc (09022015). Collection method: clinical testing. Allele origin: germline.
Comment: This sequence change replaces arginine, which is basic and polar, with tryptophan, which is neutral and slightly polar, at codon 500 of the SPINK5 protein (p.Arg500Trp). This variant is present in population databases (rs201611101, gnomAD 0.02%). This variant has not been reported in the literature in individuals affected with SPINK5-related conditions. ClinVar contains an entry for this variant (Variation ID: 947053). Algorithms developed to predict the effect of missense changes on protein structure and function output the following: SIFT: "Deleterious"; PolyPhen-2: "Benign"; Align-GVGD: "Class C0". The tryptophan amino acid residue is found in multiple mammalian species, which suggests that this missense change does not adversely affect protein function. In summary, the available evidence is currently insufficient to determine the role of this variant in disease. Therefore, it has been classified as a Variant of Uncertain Significance.